The following is an entry in ClinVar:

NM_153026.3(PRICKLE1):c.1345G>T (p.Val449Phe)

Gene: PRICKLE1 (prickle planar cell polarity protein 1; minus strand). Cytogenetic location: 12q12.
Variant type: single nucleotide variant.
Coding change: c.1345G>T on transcript NM_153026.3 (MANE Select); coding-DNA position 1345, G replaced by T.
Protein change: p.Val449Phe; replaces valine 449 with phenylalanine.
Molecular consequence: missense variant.
Genome position (GRCh38, 1-based): chr12:42,464,689, C>A on the plus strand (G>T on the coding strand, the complement: PRICKLE1 is on the minus strand). VCF-style: chr12-42464689-C-A. GRCh37 (hg19) VCF-style: chr12-42858491-C-A.
Other names: c.1345G>T, p.Val449Phe (NM_001144881.2, NM_001144882.2, NM_001144883.2); short protein forms V449F.
Identifiers: ClinVar variation 2164421 (VCV002164421.2), dbSNP rs766349772, ClinGen allele CA6519765.

ClinVar aggregate classification (germline): Uncertain significance (1 of 4 stars; one submission).

Conditions:
Epilepsy, progressive myoclonic, 1B. Also called: PME. Identifiers: Orphanet 308, MedGen C2676254, MONDO:0012904, OMIM 612437.

Allele frequency attached by ClinVar (database versions not stated): ExAC 0.00002; gnomAD 0.00004; TOPMed 0.00006.
gnomAD v4.1: 8 of 1,613,936 alleles (0.0005%); highest among the groups gnomAD compares: African/African-American, 0.011%; no homozygotes.

Submission:

Labcorp Genetics (formerly Invitae), Labcorp
Classification: Uncertain significance for Epilepsy, progressive myoclonic, 1B. Last evaluated: 2022-04-13. Review status: criteria provided, single submitter. Criteria: Invitae Variant Classification Sherloc (09022015). Collection method: clinical testing. Allele origin: germline.
Comment: This sequence change replaces valine, which is neutral and non-polar, with phenylalanine, which is neutral and non-polar, at codon 449 of the PRICKLE1 protein (p.Val449Phe). This variant is present in population databases (rs766349772, gnomAD 0.02%). This variant has not been reported in the literature in individuals affected with PRICKLE1-related conditions. Algorithms developed to predict the effect of missense changes on protein structure and function are either unavailable or do not agree on the potential impact of this missense change (SIFT: "Deleterious"; PolyPhen-2: "Benign"; Align-GVGD: "Class C0"). In summary, the available evidence is currently insufficient to determine the role of this variant in disease. Therefore, it has been classified as a Variant of Uncertain Significance.